The following is an entry in ClinVar:

NM_000051.4(ATM):c.2458A>G (p.Lys820Glu)

Gene: ATM (ATM serine/threonine kinase; plus strand). Cytogenetic location: 11q22.3.
Variant type: single nucleotide variant.
Coding change: c.2458A>G on transcript NM_000051.4 (MANE Select); coding-DNA position 2458, A replaced by G.
Protein change: p.Lys820Glu; replaces lysine 820 with glutamic acid.
Molecular consequence: missense variant.
Genome position (GRCh38, 1-based): chr11:108,259,067, A>G. VCF-style: chr11-108259067-A-G. GRCh37 (hg19) VCF-style: chr11-108129794-A-G.
Other names: c.2458A>G, p.Lys820Glu (NM_001351834.2); short protein forms K820E.
Identifiers: ClinVar variation 921399 (VCV000921399.8), dbSNP rs2080701196, ClinGen allele CA382541388.
Genomic context (GRCh38, chr11:108,259,067, plus strand): 5'-TCTGGCTTTTTCCTGCGATTGTTAACATCAAAGCTAATGAATGACATTGCAGATATTTGT[A>G]AAAGTTTAGTAAGTATGCTTCCTGTTTTGCTATCATATTTTGATTCTAATAGGCATAATT-3'
Protein context (NP_000042.3, residues 810-830): KLMNDIADIC[Lys820Glu]SLASFIKKPF

ClinVar aggregate classification (germline): Uncertain significance. Review status: criteria provided, multiple submitters, no conflicts (2 of 4 stars). 3 submissions from 3 submitters: Uncertain significance (3). Last evaluated 2024-03-06.

Conditions:
Hereditary cancer-predisposing syndrome. Also called: Hereditary Cancer Syndrome; Hereditary neoplastic syndrome; Neoplastic Syndromes, Hereditary; Tumor predisposition. Identifiers: Orphanet 140162, MedGen C0027672, MeSH D009386, MONDO:0015356.
Ataxia-telangiectasia syndrome (AT). Also called: Ataxia-telangiectasia, complementation group E; LOUIS-BAR SYNDROME; Cerebello-oculocutaneous telangiectasia; Immunodeficiency with ataxia telangiectasia; Ataxia-telangiectasia, complementation group D; AT, COMPLEMENTATION GROUP C. Identifiers: Orphanet 100, MedGen C0004135, MONDO:0008840, OMIM 208900.

Submissions (3):

Color Diagnostics, LLC DBA Color Health
Classification: Uncertain significance for Hereditary cancer-predisposing syndrome. Last evaluated: 2024-03-06. Review status: criteria provided, single submitter. Criteria: ACMG Guidelines, 2015. Collection method: clinical testing. Allele origin: germline.
Comment: This missense variant replaces lysine with glutamic acid at codon 820 of the ATM protein. Computational prediction suggests that this variant may not impact protein structure and function (internally defined REVEL score threshold <= 0.5, PMID: 27666373). Splice site prediction tools suggest that this variant may not impact RNA splicing. To our knowledge, functional studies have not been performed for this variant. This variant has not been reported in individuals affected with hereditary cancer in the literature. This variant has not been identified in the general population by the Genome Aggregation Database (gnomAD). The available evidence is insufficient to determine the role of this variant in disease conclusively. Therefore, this variant is classified as a Variant of Uncertain Significance.

Ambry Genetics
Classification: Uncertain significance for Hereditary cancer-predisposing syndrome. Last evaluated: 2023-11-22. Review status: criteria provided, single submitter. Criteria: Ambry Variant Classification Scheme 2023. Collection method: clinical testing. Allele origin: germline.
Comment: The p.K820E variant (also known as c.2458A>G), located in coding exon 15 of the ATM gene, results from an A to G substitution at nucleotide position 2458. The lysine at codon 820 is replaced by glutamic acid, an amino acid with similar properties. This amino acid position is not well conserved in available vertebrate species. In addition, this alteration is predicted to be tolerated by in silico analysis. Since supporting evidence is limited at this time, the clinical significance of this alteration remains unclear.

Labcorp Genetics (formerly Invitae), Labcorp
Classification: Uncertain significance for Ataxia-telangiectasia syndrome. Last evaluated: 2023-01-17. Review status: criteria provided, single submitter. Criteria: Invitae Variant Classification Sherloc (09022015). Collection method: clinical testing. Allele origin: germline.
Comment: This sequence change replaces lysine, which is basic and polar, with glutamic acid, which is acidic and polar, at codon 820 of the ATM protein (p.Lys820Glu). In summary, the available evidence is currently insufficient to determine the role of this variant in disease. Therefore, it has been classified as a Variant of Uncertain Significance. Algorithms developed to predict the effect of missense changes on protein structure and function (SIFT, PolyPhen-2, Align-GVGD) all suggest that this variant is likely to be tolerated. ClinVar contains an entry for this variant (Variation ID: 921399). This variant has not been reported in the literature in individuals affected with ATM-related conditions. This variant is not present in population databases (gnomAD no frequency).